The following is an entry in ClinVar:

NM_006258.4(PRKG1):c.1313+114C>A

Gene: PRKG1 (protein kinase cGMP-dependent 1; plus strand). Cytogenetic location: 10q21.1.
Variant type: single nucleotide variant.
Coding change: c.1313+114C>A on transcript NM_006258.4 (MANE Select); 114 bases into the intron after coding-DNA position 1313, C replaced by A.
Molecular consequence: intron variant.
Genome position (GRCh38, 1-based): chr10:52,271,603, C>A. VCF-style: chr10-52271603-C-A. GRCh37 (hg19) VCF-style: chr10-54031363-C-A.
Other names: c.1268+114C>A (NM_001098512.3).
Identifiers: ClinVar variation 674908 (VCV000674908.2), dbSNP rs74349227, ClinGen allele CA207399804.

ClinVar aggregate classification (germline): Likely benign. Review status: criteria provided, multiple submitters, no conflicts (2 of 4 stars). 2 submissions from 2 submitters: Likely benign (2). Last evaluated 2018-06-14.

Allele frequency attached by ClinVar (database versions not stated): gnomAD exomes 0.01912; gnomAD 0.02452 and 0.02957; TOPMed 0.03684; 1000 Genomes Project 30x 0.07558; 1000 Genomes Project 0.08227.
gnomAD v4.1: 22,561 of 1,086,402 alleles (2.1%); highest among the groups gnomAD compares: East Asian, 29%; 2,146 homozygotes.

Submissions (2):

GeneDx
Classification: Likely benign. Last evaluated: 2018-06-14. Review status: criteria provided, single submitter. Criteria: GeneDx Variant Classification (06012015). Collection method: clinical testing. Allele origin: germline. Affected: yes.
Comment: This variant is considered likely benign or benign based on one or more of the following criteria: it is a conservative change, it occurs at a poorly conserved position in the protein, it is predicted to be benign by multiple in silico algorithms, and/or has population frequency not consistent with disease.

Breakthrough Genomics
Classification: Likely benign. Review status: criteria provided, single submitter. Criteria: ACMG Guidelines, 2015. Collection method: not provided. Allele origin: germline. Inheritance: Autosomal dominant inheritance. Affected: yes.